The following is an entry in ClinVar:

ClinVar aggregate classification (germline): Uncertain significance (1 of 4 stars; one submission).

Submission:

Labcorp Genetics (formerly Invitae), Labcorp
Classification: Uncertain significance. Last evaluated: 2022-10-17. Review status: criteria provided, single submitter. Criteria: Invitae Variant Classification Sherloc (09022015). Collection method: clinical testing. Allele origin: germline.
Comment: This variant has not been reported in the literature in individuals affected with NTHL1-related conditions. This sequence change replaces serine, which is neutral and polar, with arginine, which is basic and polar, at codon 20 of the NTHL1 protein (p.Ser20Arg). This variant is not present in population databases (gnomAD no frequency). Algorithms developed to predict the effect of missense changes on protein structure and function are either unavailable or do not agree on the potential impact of this missense change (SIFT: "Not Available"; PolyPhen-2: "Benign"; Align-GVGD: "Not Available"). In summary, the available evidence is currently insufficient to determine the role of this variant in disease. Therefore, it has been classified as a Variant of Uncertain Significance.

NM_002528.7(NTHL1):c.36C>A (p.Ser12Arg)

Gene: NTHL1 (nth like DNA glycosylase 1; minus strand). Cytogenetic location: 16p13.3.
Variant type: single nucleotide variant.
Coding change: c.36C>A on transcript NM_002528.7 (MANE Select); coding-DNA position 36, C replaced by A.
Protein change: p.Ser12Arg; replaces serine 12 with arginine.
Molecular consequence: missense variant. On other transcripts: 5 prime UTR variant (1).
Genome position (GRCh38, 1-based): chr16:2,047,788, G>T on the plus strand (C>A on the coding strand, the complement: NTHL1 is on the minus strand). VCF-style: chr16-2047788-G-T. GRCh37 (hg19) VCF-style: chr16-2097789-G-T.
Other names: c.36C>A, p.Ser12Arg (NM_001318193.2); c.-143C>A (NM_001318194.2); short protein forms S12R.
Identifiers: ClinVar variation 1935796 (VCV001935796.5), dbSNP rs1216311147, ClinGen allele CA394298555.
Genomic context (GRCh38, chr16:2,047,788, plus strand): 5'-CCGGAGAGGCCCGGGCTCCTCCCTACACCCCCGCGGCCCAGCCCCGGGTCCCAGGCTCCG[G>T]CTCCGGGTCAGCATCCTCGCGCTCAAGGCGGTCATGCCGGACTCCTGCGGACTACACATC-3'
Protein context (NP_002519.2, residues 2-22): TALSARMLTR[Ser12Arg]RSLGPGAGPR